The following is an entry in ClinVar:

ClinVar aggregate classification (germline): Uncertain significance (1 of 4 stars; one submission).

Conditions:
3-methylglutaconic aciduria with deafness, encephalopathy, and Leigh-like syndrome (MEGDEL). Also called: MEGDEL syndrome; 3-METHYLGLUTACONIC ACIDURIA, TYPE VI; SERAC1 Deficiency. Identifiers: Orphanet 352328, MedGen C4040739, MONDO:0013875, OMIM 614739.

Submission:

Labcorp Genetics (formerly Invitae), Labcorp
Classification: Uncertain significance for 3-methylglutaconic aciduria with deafness, encephalopathy, and Leigh-like syndrome. Last evaluated: 2025-11-24. Review status: criteria provided, single submitter. Criteria: Invitae Variant Classification Sherloc (09022015). Collection method: clinical testing. Allele origin: germline.
Comment: This sequence change replaces glutamic acid, which is acidic and polar, with alanine, which is neutral and non-polar, at codon 589 of the SERAC1 protein (p.Glu589Ala). This variant is not present in population databases (gnomAD no frequency). This variant has not been reported in the literature in individuals affected with SERAC1-related conditions. ClinVar contains an entry for this variant (Variation ID: 2090203). Invitae Evidence Modeling of protein sequence and biophysical properties (such as structural, functional, and spatial information, amino acid conservation, physicochemical variation, residue mobility, and thermodynamic stability) indicates that this missense variant is expected to disrupt SERAC1 protein function with a positive predictive value of 80%. In summary, the available evidence is currently insufficient to determine the role of this variant in disease. Therefore, it has been classified as a Variant of Uncertain Significance.

NM_032861.4(SERAC1):c.1766A>C (p.Glu589Ala)

Gene: SERAC1 (serine active site containing 1; minus strand). Cytogenetic location: 6q25.3.
Variant type: single nucleotide variant.
Coding change: c.1766A>C on transcript NM_032861.4 (MANE Select); coding-DNA position 1766, A replaced by C.
Protein change: p.Glu589Ala; replaces glutamic acid 589 with alanine.
Molecular consequence: missense variant.
Genome position (GRCh38, 1-based): chr6:158,113,511, T>G on the plus strand (A>C on the coding strand, the complement: SERAC1 is on the minus strand). VCF-style: chr6-158113511-T-G. GRCh37 (hg19) VCF-style: chr6-158534543-T-G.
Other names: short protein forms E589A.
Identifiers: ClinVar variation 2090203 (VCV002090203.4), dbSNP rs2483456057, ClinGen allele CA366254229.
Genomic context (GRCh38, chr6:158,113,511, plus strand): 5'-GCTGATTCCACAGGTACCACATGGAGCTTAATCATGCTGCCAATGTAGGTTGGTAGTGTT[T>G]CCACAAAATTCAGCACCTGGAAGTTTTTGTCTTTAGCAAACTCCAGAAAGTCATCTTGTA-3'
Protein context (NP_116250.3, residues 579-599): DKNFQVLNFV[Glu589Ala]TLPTYIGSMI